The following is an entry in ClinVar:

ClinVar aggregate classification (germline): Uncertain significance (1 of 4 stars; one submission).

Submission:

Labcorp Genetics (formerly Invitae), Labcorp
Classification: Uncertain significance. Last evaluated: 2022-12-06. Review status: criteria provided, single submitter. Criteria: Invitae Variant Classification Sherloc (09022015). Collection method: clinical testing. Allele origin: germline.
Comment: This sequence change replaces tryptophan, which is neutral and slightly polar, with arginine, which is basic and polar, at codon 140 of the NBAS protein (p.Trp140Arg). This variant is not present in population databases (gnomAD no frequency). In summary, the available evidence is currently insufficient to determine the role of this variant in disease. Therefore, it has been classified as a Variant of Uncertain Significance. Algorithms developed to predict the effect of missense changes on protein structure and function (SIFT, PolyPhen-2, Align-GVGD) all suggest that this variant is likely to be disruptive. This variant has not been reported in the literature in individuals affected with NBAS-related conditions.

NM_015909.4(NBAS):c.418T>C (p.Trp140Arg)

Gene: NBAS (NBAS subunit of NRZ tethering complex; minus strand). Cytogenetic location: 2p24.3.
Variant type: single nucleotide variant.
Coding change: c.418T>C on transcript NM_015909.4 (MANE Select); coding-DNA position 418, T replaced by C.
Protein change: p.Trp140Arg; replaces tryptophan 140 with arginine.
Molecular consequence: missense variant. On other transcripts: non-coding transcript variant (1).
Genome position (GRCh38, 1-based): chr2:15,539,318, A>G on the plus strand (T>C on the coding strand, the complement: NBAS is on the minus strand). VCF-style: chr2-15539318-A-G. GRCh37 (hg19) VCF-style: chr2-15679442-A-G.
Other names: short protein forms W140R.
Identifiers: ClinVar variation 2057671 (VCV002057671.4), dbSNP rs2527953280, ClinGen allele CA345888258.